The following is an entry in ClinVar:

ClinVar aggregate classification (germline): Likely pathogenic (1 of 4 stars; one submission).

Submission:

Labcorp Genetics (formerly Invitae), Labcorp
Classification: Likely pathogenic. Last evaluated: 2024-09-28. Review status: criteria provided, single submitter. Criteria: Invitae Variant Classification Sherloc (09022015). Collection method: clinical testing. Allele origin: germline.
Comment: This sequence change affects an acceptor splice site in intron 40 of the NBAS gene. It is expected to disrupt RNA splicing. Variants that disrupt the donor or acceptor splice site typically lead to a loss of protein function (PMID: 16199547), and loss-of-function variants in NBAS are known to be pathogenic (PMID: 26073778, 26541327, 27789416, 28031453). This variant is not present in population databases (gnomAD no frequency). This variant has not been reported in the literature in individuals affected with NBAS-related conditions. Algorithms developed to predict the effect of sequence changes on RNA splicing suggest that this variant may disrupt the consensus splice site. In summary, the currently available evidence indicates that the variant is pathogenic, but additional data are needed to prove that conclusively. Therefore, this variant has been classified as Likely Pathogenic.

Literature cited by the submitters: PubMed 16199547; PubMed 26073778; PubMed 26541327; PubMed 27789416; PubMed 28031453.

NM_015909.4(NBAS):c.4798-1G>A

Gene: NBAS (NBAS subunit of NRZ tethering complex; minus strand). Cytogenetic location: 2p24.3.
Variant type: single nucleotide variant.
Coding change: c.4798-1G>A on transcript NM_015909.4 (MANE Select); the canonical splice acceptor site of the intron before coding-DNA position 4798, G replaced by A.
Molecular consequence: splice acceptor variant.
Genome position (GRCh38, 1-based): chr2:15,292,767, C>T on the plus strand (G>A on the coding strand, the complement: NBAS is on the minus strand). VCF-style: chr2-15292767-C-T. GRCh37 (hg19) VCF-style: chr2-15432891-C-T.
Identifiers: ClinVar variation 3721717 (VCV003721717.2).